The following is an entry in ClinVar:

NM_000321.3(RB1):c.1421+2T>A

Gene: RB1 (RB transcriptional corepressor 1; plus strand). Cytogenetic location: 13q14.2.
Variant type: single nucleotide variant.
Coding change: c.1421+2T>A on transcript NM_000321.3 (MANE Select); the canonical splice donor site of the intron after coding-DNA position 1421, T replaced by A.
Molecular consequence: splice donor variant.
Genome position (GRCh38, 1-based): chr13:48,380,086, T>A. VCF-style: chr13-48380086-T-A. GRCh37 (hg19) VCF-style: chr13-48954222-T-A.
Other names: c.1421+2T>A (NM_001407165.1, NM_001407166.1).
Identifiers: ClinVar variation 3377796 (VCV003377796.1).
Genomic context (GRCh38, chr13:48,380,086, plus strand): 5'-TTTTTTTTTTTAAATTATCTGTTTCAGGAAGAAGAACGATTATCCATTCAAAATTTTAGG[T>A]AAATTTTTTACTTTTAGTAAAAAATTTTTTTCTTTTTATAGAAGTAAGTATTTTATAATC-3'

ClinVar aggregate classification (germline): Pathogenic (1 of 4 stars; one submission).

Conditions:
Retinoblastoma (RB1). Also called: RETINOBLASTOMA, SOMATIC. Identifiers: Orphanet 790, MedGen C0035335, MeSH D012175, MONDO:0008380, OMIM 180200, HP:0009919. Disease mechanism: loss of function. Inheritance: Both sporadic and heritable forms are tested..

Submission:

St. Jude Molecular Pathology, St. Jude Children's Research Hospital
Classification: Pathogenic for Retinoblastoma. Last evaluated: 2024-02-06. Review status: criteria provided, single submitter. Criteria: St. Jude Assertion Criteria 2020. Collection method: clinical testing. Allele origin: germline. Affected: yes.
Comment: The RB1 c.1421+2T>A intronic change results in a T to A substitution at the +2 position of intron 15 of the RB1 gene. This variant is predicted to result in loss of the native splice donor site and abnormal gene splicing (splice AI). Mutations affecting neighboring nucleotides in this splice site have been reported in patients with retinoblastoma (PMID: 33456302, PMID: 30636860). This variant is absent in gnomAD v2.1.1. In summary, this variant meets criteria to be classified as pathogenic.